The following is an entry in ClinVar:

ClinVar aggregate classification (germline): Uncertain significance (1 of 4 stars; one submission).

Conditions:
Atrial fibrillation, familial, 7 (ATFB7). Identifiers: MedGen C2677106, MONDO:0012828, OMIM 612240.

Allele frequency attached by ClinVar (database versions not stated): gnomAD exomes below 0.00001; TOPMed below 0.00001.

Submission:

Labcorp Genetics (formerly Invitae), Labcorp
Classification: Uncertain significance for Atrial fibrillation, familial, 7. Last evaluated: 2021-11-20. Review status: criteria provided, single submitter. Criteria: Invitae Variant Classification Sherloc (09022015). Collection method: clinical testing. Allele origin: germline.
Comment: In summary, the available evidence is currently insufficient to determine the role of this variant in disease. Therefore, it has been classified as a Variant of Uncertain Significance. Algorithms developed to predict the effect of missense changes on protein structure and function (SIFT, PolyPhen-2, Align-GVGD) all suggest that this variant is likely to be disruptive. This missense change has been observed in individual(s) with pulmonary hypertension (PMID: 31727138). This variant is present in population databases (no rsID available, gnomAD 0.002%). This sequence change replaces arginine, which is basic and polar, with cysteine, which is neutral and slightly polar, at codon 415 of the KCNA5 protein (p.Arg415Cys).

Literature cited by the submitters: PubMed 31727138.

NM_002234.4(KCNA5):c.1243C>T (p.Arg415Cys)

Gene: KCNA5 (potassium voltage-gated channel subfamily A member 5; plus strand). Cytogenetic location: 12p13.32.
Variant type: single nucleotide variant.
Coding change: c.1243C>T on transcript NM_002234.4 (MANE Select); coding-DNA position 1243, C replaced by T.
Protein change: p.Arg415Cys; replaces arginine 415 with cysteine.
Molecular consequence: missense variant.
Genome position (GRCh38, 1-based): chr12:5,045,390, C>T. VCF-style: chr12-5045390-C-T. GRCh37 (hg19) VCF-style: chr12-5154556-C-T.
Other names: short protein forms R415C.
Identifiers: ClinVar variation 1475285 (VCV001475285.6), dbSNP rs1286773038, ClinGen allele CA383466067.